The following is an entry in ClinVar:

ClinVar aggregate classification (germline): Pathogenic/Likely pathogenic. Review status: criteria provided, multiple submitters, no conflicts (2 of 4 stars). 2 submissions from 2 submitters: Pathogenic (1); Likely pathogenic (1). Last evaluated 2022-07-06.

Conditions:
ARID1B-Related Disorder. Identifiers: MedGen CN381337.

Submissions (2):

Labcorp Genetics (formerly Invitae), Labcorp
Classification: Pathogenic. Last evaluated: 2022-07-06. Review status: criteria provided, single submitter. Criteria: Invitae Variant Classification Sherloc (09022015). Collection method: clinical testing. Allele origin: germline.
Comment: This sequence change creates a premature translational stop signal (p.Gly660Argfs*4) in the ARID1B gene. It is expected to result in an absent or disrupted protein product. Loss-of-function variants in ARID1B are known to be pathogenic (PMID: 25674384, 30349098). This variant is not present in population databases (gnomAD no frequency). For these reasons, this variant has been classified as Pathogenic. This variant has not been reported in the literature in individuals affected with ARID1B-related conditions.

Blueprint Genetics
Classification: Likely pathogenic for ARID1B-related disorders. Last evaluated: 2019-04-11. Review status: criteria provided, single submitter. Criteria: ACMG Guidelines, 2015. Collection method: clinical testing. Allele origin: germline. Affected: yes. Observed: 1 variant allele.

Literature cited by the submitters: PubMed 25674384 (cited by Labcorp Genetics (formerly Invitae), Labcorp); PubMed 30349098 (cited by Labcorp Genetics (formerly Invitae), Labcorp).

NM_001374828.1(ARID1B):c.2187dup (p.Gly730fs)

Gene: ARID1B (AT-rich interaction domain 1B; plus strand). Cytogenetic location: 6q25.3.
Variant type: Duplication.
Coding change: c.2187dup on transcript NM_001374828.1 (MANE Select); coding-DNA position 2187, one base duplicated (C; older notation c.2187dupC).
Protein change: p.Gly730fs; shifts the reading frame from glycine 730.
Molecular consequence: frameshift variant.
Genome position (GRCh38, 1-based): chr6:156,935,516, C duplicated; the last of 5 consecutive C bases (chr6:156,935,512-156,935,516); duplicating any one gives the same sequence. VCF-style (leftmost placement, unchanged base first): chr6-156935511-G-GC. GRCh37 (hg19) VCF-style: chr6-157256645-G-GC.
Other names: c.1938dup, p.Gly647Argfs (NM_001346813.1); c.2226dup, p.Gly743fs (NM_001371656.1, NM_001374820.1); c.2187dup, p.Gly730fs (NM_017519.3); c.1977dup, p.Gly660Argfs (NM_020732.3); c.1764dup, p.Gly589Argfs (NM_175863.2); short protein forms G743fs, G730fs.
Identifiers: ClinVar variation 2014462 (VCV002014462.5), dbSNP rs2535348456, ClinGen allele CA2580075250.